The following is an entry in ClinVar:

NM_001429.4(EP300):c.2583C>G (p.Ala861=)

Gene: EP300 (EP300 lysine acetyltransferase; plus strand). Cytogenetic location: 22q13.2.
Variant type: single nucleotide variant.
Coding change: c.2583C>G on transcript NM_001429.4 (MANE Select); coding-DNA position 2583, C replaced by G.
Protein change: p.Ala861=; no amino-acid change (alanine 861 retained).
Molecular consequence: synonymous variant.
Genome position (GRCh38, 1-based): chr22:41,149,964, C>G. VCF-style: chr22-41149964-C-G. GRCh37 (hg19) VCF-style: chr22-41545968-C-G.
Other names: c.2505C>G, p.Ala835= (NM_001362843.2).
Identifiers: ClinVar variation 4994152 (VCV004994152.1).

ClinVar aggregate classification (germline): Likely benign (1 of 4 stars; one submission).

Conditions:
EP300-related disorder. Also called: EP300-related condition; EP300-related disorders.

Submission:

PreventionGenetics, part of Exact Sciences
Classification: Likely benign for EP300-related condition. Last evaluated: 2026-05-26. Review status: criteria provided, single submitter. Criteria: ACMG Guidelines, 2015. Collection method: clinical testing. Allele origin: germline.
Comment: This variant is classified as likely benign based on ACMG/AMP sequence variant interpretation guidelines (Richards et al. 2015 PMID: 25741868, with internal and published modifications).